The following is an entry in ClinVar:

NM_006231.4(POLE):c.817G>T (p.Ala273Ser)

Gene: POLE (DNA polymerase epsilon, catalytic subunit; minus strand). Cytogenetic location: 12q24.33.
Variant type: single nucleotide variant.
Coding change: c.817G>T on transcript NM_006231.4 (MANE Select); coding-DNA position 817, G replaced by T.
Protein change: p.Ala273Ser; replaces alanine 273 with serine.
Molecular consequence: missense variant.
Genome position (GRCh38, 1-based): chr12:132,676,638, C>A on the plus strand (G>T on the coding strand, the complement: POLE is on the minus strand). VCF-style: chr12-132676638-C-A. GRCh37 (hg19) VCF-style: chr12-133253224-C-A.
Other names: short protein forms A273S.
Identifiers: ClinVar variation 4744437 (VCV004744437.1).

ClinVar aggregate classification (germline): Uncertain significance (1 of 4 stars; one submission).

Submission:

Labcorp Genetics (formerly Invitae), Labcorp
Classification: Uncertain significance. Last evaluated: 2025-12-08. Review status: criteria provided, single submitter. Criteria: Invitae Variant Classification Sherloc (09022015). Collection method: clinical testing. Allele origin: germline.
Comment: This sequence change replaces alanine, which is neutral and non-polar, with serine, which is neutral and polar, at codon 273 of the POLE protein (p.Ala273Ser). This variant is not present in population databases (gnomAD no frequency). This variant has not been reported in the literature in individuals affected with POLE-related conditions. Invitae Evidence Modeling of protein sequence and biophysical properties (such as structural, functional, and spatial information, amino acid conservation, physicochemical variation, residue mobility, and thermodynamic stability) indicates that this missense variant is expected to disrupt POLE protein function with a positive predictive value of 80%. In summary, the available evidence is currently insufficient to determine the role of this variant in disease. Therefore, it has been classified as a Variant of Uncertain Significance.